The following is an entry in ClinVar:

ClinVar aggregate classification (germline): Uncertain significance (1 of 4 stars; one submission).

Conditions:
Neuroblastoma, susceptibility to, 3. Also called: ALK-Related Neuroblastic Tumor Susceptibility. Identifiers: Orphanet 635, MedGen C2751681, MONDO:0013083, OMIM 613014.

Submission:

Labcorp Genetics (formerly Invitae), Labcorp
Classification: Uncertain significance for Neuroblastoma, susceptibility to, 3. Last evaluated: 2024-05-26. Review status: criteria provided, single submitter. Criteria: Invitae Variant Classification Sherloc (09022015). Collection method: clinical testing. Allele origin: germline.
Comment: This sequence change replaces threonine, which is neutral and polar, with lysine, which is basic and polar, at codon 1151 of the ALK protein (p.Thr1151Lys). This variant is not present in population databases (gnomAD no frequency). This variant has not been reported in the literature in individuals affected with ALK-related conditions. An algorithm developed to predict the effect of missense changes on protein structure and function (PolyPhen-2) suggests that this variant is likely to be disruptive. Experimental studies have shown that this missense change affects ALK function (PMID: 22034911). Algorithms developed to predict the effect of sequence changes on RNA splicing suggest that this variant may create or strengthen a splice site. In summary, the available evidence is currently insufficient to determine the role of this variant in disease. Therefore, it has been classified as a Variant of Uncertain Significance.

Literature cited by the submitters: PubMed 22034911.

NM_004304.5(ALK):c.3452C>A (p.Thr1151Lys)

Gene: ALK (ALK receptor tyrosine kinase; minus strand). Cytogenetic location: 2p23.2.
Variant type: single nucleotide variant.
Coding change: c.3452C>A on transcript NM_004304.5 (MANE Select); coding-DNA position 3452, C replaced by A.
Protein change: p.Thr1151Lys; replaces threonine 1151 with lysine.
Molecular consequence: missense variant.
Genome position (GRCh38, 1-based): chr2:29,222,407, G>T on the plus strand (C>A on the coding strand, the complement: ALK is on the minus strand). VCF-style: chr2-29222407-G-T. GRCh37 (hg19) VCF-style: chr2-29445273-G-T.
Other names: c.248C>A, p.Thr83Lys (NM_001353765.2); short protein forms T83K, T1151K.
Identifiers: ClinVar variation 3706690 (VCV003706690.2).